The following is an entry in ClinVar:

ClinVar aggregate classification (germline): Pathogenic. Review status: criteria provided, multiple submitters, no conflicts (2 of 4 stars). 5 submissions from 5 submitters: Pathogenic (5). Last evaluated 2026-01-21.

Conditions:
CAPN1-related disorder. Also called: CAPN1-related condition.
Autosomal recessive spastic paraplegia type 76. Identifiers: Orphanet 488594, MedGen C5567483, MONDO:0014827, OMIM 616907.

Submissions (5):

3billion
Classification: Pathogenic for Autosomal recessive spastic paraplegia type 76. Last evaluated: 2026-01-21. Review status: criteria provided, single submitter. Criteria: ACMG Guidelines, 2015. Collection method: clinical testing. Allele origin: germline. Affected: yes.
Comment: The variant is observed at an extremely low frequency in the gnomAD v4.1.0 dataset (total allele frequency: <0.001%). Predicted Consequence/Location: Frameshift: predicted to result in a loss or disruption of normal protein function through nonsense-mediated decay (NMD) or protein truncation. Multiple pathogenic variants are reported downstream of the variant. The variant has been reported at least twice as pathogenic with clinical assertions and evidence for the classification (ClinVar ID: VCV000817644 /PMID: 27320912). Therefore, this variant is classified as Pathogenic according to the recommendation of ACMG/AMP guideline.

Revvity Omics, Revvity
Classification: Pathogenic for Autosomal recessive spastic paraplegia type 76. Last evaluated: 2024-06-20. Review status: criteria provided, single submitter. Criteria: ACMG Guidelines, 2015. Collection method: clinical testing. Allele origin: germline.

Labcorp Genetics (formerly Invitae), Labcorp
Classification: Pathogenic. Last evaluated: 2023-02-18. Review status: criteria provided, single submitter. Criteria: Invitae Variant Classification Sherloc (09022015). Collection method: clinical testing. Allele origin: germline.
Comment: For these reasons, this variant has been classified as Pathogenic. ClinVar contains an entry for this variant (Variation ID: 817644). This variant is also known as c.183_184insC. This premature translational stop signal has been observed in individual(s) with hereditary spastic paraplegia (PMID: 31227335). The frequency data for this variant in the population databases is considered unreliable, as metrics indicate poor data quality at this position in the gnomAD database. This sequence change creates a premature translational stop signal (p.Val64Glyfs*103) in the CAPN1 gene. It is expected to result in an absent or disrupted protein product. Loss-of-function variants in CAPN1 are known to be pathogenic (PMID: 27153400, 27320912).

GeneDx
Classification: Pathogenic. Last evaluated: 2019-11-04. Review status: criteria provided, single submitter. Criteria: GeneDx Variant Classification Process June 2021. Collection method: clinical testing. Allele origin: germline. Affected: yes.
Comment: Frameshift variant predicted to result in protein truncation or nonsense mediated decay in a gene for which loss-of-function is a known mechanism of disease; This variant is associated with the following publications: (PMID: 27320912, 31227335)

Blueprint Genetics
Classification: Pathogenic for CAPN1-related disorders. Last evaluated: 2019-09-19. Review status: criteria provided, single submitter. Criteria: ACMG Guidelines, 2015. Collection method: clinical testing. Allele origin: germline. Affected: yes. Observed: 2 variant alleles.

Literature cited by the submitters: PubMed 27320912 (cited by 3billion and Labcorp Genetics (formerly Invitae), Labcorp); PubMed 31227335 (cited by Labcorp Genetics (formerly Invitae), Labcorp); PubMed 27153400 (cited by Labcorp Genetics (formerly Invitae), Labcorp).

NM_005186.4(CAPN1):c.188dup (p.Val64fs)

Gene: CAPN1 (calpain 1; plus strand). Cytogenetic location: 11q13.1.
Variant type: Duplication.
Coding change: c.188dup on transcript NM_005186.4 (MANE Select); coding-DNA position 188, one base duplicated (C; older notation c.188dupC).
Protein change: p.Val64fs; shifts the reading frame from valine 64.
Molecular consequence: frameshift variant. On other transcripts: non-coding transcript variant (1).
Genome position (GRCh38, 1-based): chr11:65,182,889, C duplicated; the last of 6 consecutive C bases (chr11:65,182,884-65,182,889); duplicating any one gives the same sequence. VCF-style (leftmost placement, unchanged base first): chr11-65182883-T-TC. GRCh37 (hg19) VCF-style: chr11-64950354-T-TC.
Other names: c.188dupC (NM_001198868.1); c.188dup, p.Val64fs (NM_001198868.2, NM_001198869.2); short protein forms V64fs.
Identifiers: ClinVar variation 817644 (VCV000817644.10), dbSNP rs758312955, ClinGen allele CA6092966.